The following is an entry in ClinVar:

NM_001429.4(EP300):c.3105C>T (p.Thr1035=)

Genes: EP300 (EP300 lysine acetyltransferase; plus strand), LOC126863158 (BRD4-independent group 4 enhancer GRCh37_chr22:41547383-41548582; plus strand). Cytogenetic location: 22q13.2.
Variant type: single nucleotide variant.
Coding change: c.3105C>T on transcript NM_001429.4 (MANE Select); coding-DNA position 3105, C replaced by T.
Protein change: p.Thr1035=; no amino-acid change (threonine 1035 retained).
Molecular consequence: synonymous variant.
Genome position (GRCh38, 1-based): chr22:41,152,313, C>T. VCF-style: chr22-41152313-C-T. GRCh37 (hg19) VCF-style: chr22-41548317-C-T.
Other names: c.3027C>T, p.Thr1009= (NM_001362843.2).
Identifiers: ClinVar variation 210939 (VCV000210939.55), dbSNP rs150498069, ClinGen allele CA206090.

ClinVar aggregate classification (germline): Conflicting classifications of pathogenicity. Review status: criteria provided, conflicting classifications (1 of 4 stars). 7 submissions from 7 submitters: Uncertain significance (1); Benign (2); Likely benign (3). 1 of the submissions does not count toward it. Last evaluated 2026-06-01.

Conditions:
EP300-related disorder. Also called: EP300-related condition; EP300-related disorders.
Rubinstein-Taybi syndrome due to EP300 haploinsufficiency. Also called: EP300-Related Rubinstein-Taybi Syndrome; RUBINSTEIN-TAYBI SYNDROME 2. Identifiers: Orphanet 353284, Orphanet 783, MedGen C3150941, MONDO:0013364, OMIM 613684.

Allele frequency attached by ClinVar (database versions not stated): TOPMed 0.00047; gnomAD 0.00048; ExAC 0.00065; ESP Exome Variant Server 0.00092; 1000 Genomes Project 0.00100; 1000 Genomes Project 30x 0.00109.
gnomAD v4.1: 929 of 1,613,982 alleles (0.058%); highest among the groups gnomAD compares: Middle Eastern, 0.26%; 1 homozygote.

Submissions (7):

CeGaT Center for Human Genetics Tuebingen
Classification: Likely benign. Last evaluated: 2026-06-01. Review status: criteria provided, single submitter. Criteria: CeGaT Center For Human Genetics Tuebingen Variant Classification Criteria Version 2. Collection method: clinical testing. Allele origin: germline. Affected: yes. Observed: 10 variant alleles.
Comment: EP300: BP4, BP7

Labcorp Genetics (formerly Invitae), Labcorp
Classification: Benign for Rubinstein-Taybi syndrome due to EP300 haploinsufficiency. Last evaluated: 2026-01-15. Review status: criteria provided, single submitter. Criteria: Invitae Variant Classification Sherloc (09022015). Collection method: clinical testing. Allele origin: germline.

Blueprint Genetics
Classification: Likely benign. Last evaluated: 2024-11-05. Review status: criteria provided, single submitter. Criteria: ACMG Guidelines, 2015. Collection method: clinical testing. Allele origin: germline.

GeneDx
Classification: Benign. Last evaluated: 2020-11-02. Review status: criteria provided, single submitter. Criteria: GeneDx Variant Classification Process June 2021. Collection method: clinical testing. Allele origin: germline. Affected: yes.

Eurofins Ntd Llc (ga)
Classification: Likely benign. Last evaluated: 2017-11-29. Review status: criteria provided, single submitter. Criteria: EGL Classification Definitions 2015. Collection method: clinical testing. Allele origin: germline. Observed: 1 variant allele, 1 heterozygote.

Genetic Services Laboratory, University of Chicago
Classification: Uncertain significance. Last evaluated: 2014-09-09. Review status: criteria provided, single submitter. Criteria: ACMG Guidelines, 2015. Collection method: clinical testing. Allele origin: germline.

PreventionGenetics, part of Exact Sciences
Classification: Likely benign for EP300-related condition. Last evaluated: 2019-05-02. Review status: no assertion criteria provided. Collection method: clinical testing. Allele origin: germline. Not counted in ClinVar's aggregate classification.
Comment: This variant is classified as likely benign based on ACMG/AMP sequence variant interpretation guidelines (Richards et al. 2015 PMID: 25741868, with internal and published modifications).